The following is an entry in ClinVar:

NM_001134363.3(RBM20):c.555C>T (p.Asn185=)

Gene: RBM20 (RNA binding motif protein 20; plus strand). Cytogenetic location: 10q25.2.
Variant type: single nucleotide variant.
Coding change: c.555C>T on transcript NM_001134363.3 (MANE Select); coding-DNA position 555, C replaced by T.
Protein change: p.Asn185=; no amino-acid change (asparagine 185 retained).
Molecular consequence: synonymous variant.
Genome position (GRCh38, 1-based): chr10:110,781,164, C>T. VCF-style: chr10-110781164-C-T. GRCh37 (hg19) VCF-style: chr10-112540922-C-T.
Other names: c.555C>T (LRG_382t1).
Identifiers: ClinVar variation 392080 (VCV000392080.10), dbSNP rs377139558, ClinGen allele CA16605799.
Genomic context (GRCh38, chr10:110,781,164, plus strand): 5'-CTCTAATGCAATTGCCTTTTCACCCCCCAGCCAGACACGAGGCCCCGGACCCTCCATGAA[C>T]CTTCCCAACCAGCCACCCAGTGCCATGGTGATGCATCCTTTCACTGGGGTAATGCCTCAG-3'
Protein context (NP_001127835.2, residues 175-195): SQTRGPGPSM[Asn185=]LPNQPPSAMV

ClinVar aggregate classification (germline): Likely benign. Review status: criteria provided, multiple submitters, no conflicts (2 of 4 stars). 3 submissions from 3 submitters: Likely benign (3). Last evaluated 2026-03-29.

Conditions:
Dilated cardiomyopathy 1DD (CMD1DD). Identifiers: Orphanet 154, MedGen C2750995, MONDO:0013168, OMIM 613172.
Cardiovascular phenotype. Identifiers: MedGen CN230736.

Allele frequency attached by ClinVar (database versions not stated): gnomAD 0.00001.
gnomAD v4.1: 2 of 1,551,596 alleles (0.00013%); highest among the groups gnomAD compares: African/African-American, 0.0027%; no homozygotes.

Submissions (3):

Ambry Genetics
Classification: Likely benign for Cardiovascular phenotype. Last evaluated: 2026-03-29. Review status: criteria provided, single submitter. Criteria: Ambry Variant Classification Scheme 2023. Collection method: clinical testing. Allele origin: germline.

Labcorp Genetics (formerly Invitae), Labcorp
Classification: Likely benign for Dilated cardiomyopathy 1DD. Last evaluated: 2024-10-30. Review status: criteria provided, single submitter. Criteria: Invitae Variant Classification Sherloc (09022015). Collection method: clinical testing. Allele origin: germline.

GeneDx
Classification: Likely benign. Last evaluated: 2016-12-22. Review status: criteria provided, single submitter. Criteria: GeneDx Variant Classification (06012015). Collection method: clinical testing. Allele origin: germline. Affected: yes.
Comment: This variant is considered likely benign or benign based on one or more of the following criteria: it is a conservative change, it occurs at a poorly conserved position in the protein, it is predicted to be benign by multiple in silico algorithms, and/or has population frequency not consistent with disease.